The following is an entry in ClinVar:

ClinVar aggregate classification (germline): Uncertain significance (1 of 4 stars; one submission).

Conditions:
Developmental and epileptic encephalopathy, 2 (DEE2). Also called: INFANTILE SPASM SYNDROME, X-LINKED 2; CDKL5 deficiency disorder. Identifiers: Orphanet 1934, Orphanet 3451, Orphanet 505652, MedGen C4750718, MONDO:0010396, OMIM 300672.
Angelman syndrome-like. Identifiers: MedGen CN128785.

Allele frequency attached by ClinVar (database versions not stated): gnomAD exomes below 0.00001.
gnomAD v4.1: 1 of 1,211,778 alleles (0.000083%); highest among the groups gnomAD compares: Admixed American, 0.0022%; no homozygotes.

Submission:

Labcorp Genetics (formerly Invitae), Labcorp
Classification: Uncertain significance for Developmental and epileptic encephalopathy, 2; Angelman syndrome-like. Last evaluated: 2025-01-30. Review status: criteria provided, single submitter. Criteria: Invitae Variant Classification Sherloc (09022015). Collection method: clinical testing. Allele origin: germline.
Comment: This sequence change creates a premature translational stop signal (p.Gln931*) in the CDKL5 gene. However, it is currently unclear if variants that occur in this region of the gene cause disease. This variant is not present in population databases (gnomAD no frequency). This variant has not been reported in the literature in individuals affected with CDKL5-related conditions. This premature translational stop signal has been observed in at least one individual who was not affected with CDKL5-related conditions (internal data). ClinVar contains an entry for this variant (Variation ID: 1525291). Experimental studies and prediction algorithms are not available or were not evaluated, and the functional significance of this variant is currently unknown. In summary, the available evidence is currently insufficient to determine the role of this variant in disease. Therefore, it has been classified as a Variant of Uncertain Significance.

NC_000023.11:g.18646084C>T

Genes: CDKL5 (cyclin dependent kinase like 5; plus strand), RS1 (retinoschisin 1; minus strand). Cytogenetic location: Xp22.13.
Variant type: single nucleotide variant.
Molecular consequence: intron variant (on NM_000330.4). On other transcripts: nonsense (2).
Genome position: GRCh38 VCF-style: chrX-18646084-C-T. GRCh37 (hg19) VCF-style: chrX-18664204-C-T.
Other names: c.2791C>T, p.Gln931Ter (NM_001037343.2, NM_003159.3); c.326+1107G>A (NM_000330.4); short protein forms Q931*.
Identifiers: ClinVar variation 1525291 (VCV001525291.9), dbSNP rs2147192703, ClinGen allele CA412372551.
Genomic context (GRCh38, chrX:18,646,084, plus strand): 5'-AGAAGACAGAGACACCATTCTGGACCCCAAGATAGACGCTTCATGTTAAGGACGACAGAA[C>T]AACAAGGTAGAGTCTGGGCCCCGCATGCCATCAAGCTGCCATAACGACCCTAGACTACTG-3'